The following is an entry in ClinVar:

NM_003850.3(SUCLA2):c.758C>A (p.Thr253Asn)

Gene: SUCLA2 (succinate-CoA ligase ADP-forming subunit beta; minus strand). Cytogenetic location: 13q14.2.
Variant type: single nucleotide variant.
Coding change: c.758C>A on transcript NM_003850.3 (MANE Select); coding-DNA position 758, C replaced by A.
Protein change: p.Thr253Asn; replaces threonine 253 with asparagine.
Molecular consequence: missense variant.
Genome position (GRCh38, 1-based): chr13:47,968,639, G>T on the plus strand (C>A on the coding strand, the complement: SUCLA2 is on the minus strand). VCF-style: chr13-47968639-G-T. GRCh37 (hg19) VCF-style: chr13-48542774-G-T.
Other names: short protein forms T253N.
Identifiers: ClinVar variation 1342807 (VCV001342807.2), dbSNP rs1227291815, ClinGen allele CA388149127.

ClinVar aggregate classification (germline): Uncertain significance (1 of 4 stars; one submission).

Allele frequency attached by ClinVar (database versions not stated): gnomAD exomes below 0.00001; TOPMed below 0.00001; gnomAD 0.00001.
gnomAD v4.1: 7 of 1,611,582 alleles (0.00043%); highest among the groups gnomAD compares: Non-Finnish European, 0.00059%; no homozygotes.

Submission:

GeneDx
Classification: Uncertain significance. Last evaluated: 2021-08-30. Review status: criteria provided, single submitter. Criteria: GeneDx Variant Classification Process June 2021. Collection method: clinical testing. Allele origin: germline. Affected: yes.
Comment: In silico analysis supports that this missense variant has a deleterious effect on protein structure/function; Has not been previously published as pathogenic or benign to our knowledge